The following is an entry in ClinVar:

ClinVar aggregate classification (germline): Pathogenic. Review status: criteria provided, single submitter (1 of 4 stars). 2 submissions from 2 submitters: Pathogenic (1). 1 of the submissions does not count toward it. Last evaluated 2026-01-13.

Conditions:
Developmental and epileptic encephalopathy, 50 (DEE50). Also called: Epileptic encephalopathy, early infantile, 50. Identifiers: Orphanet 448010, MedGen C4225320, MONDO:0014647, OMIM 616457.

Allele frequency attached by ClinVar (database versions not stated): gnomAD exomes below 0.00001; ExAC 0.00001.
gnomAD v4.1: 2 of 1,613,878 alleles (0.00012%); highest among the groups gnomAD compares: Non-Finnish European, 0.00017%; no homozygotes.

Submissions (2):

Labcorp Genetics (formerly Invitae), Labcorp
Classification: Pathogenic. Last evaluated: 2026-01-13. Review status: criteria provided, single submitter. Criteria: Invitae Variant Classification Sherloc (09022015). Collection method: clinical testing. Allele origin: germline.
Comment: This sequence change affects an acceptor splice site in intron 12 of the CAD gene. It is expected to disrupt RNA splicing. Variants that disrupt the donor or acceptor splice site typically lead to a loss of protein function (PMID: 16199547), and loss-of-function variants in CAD are known to be pathogenic (PMID: 28007989, 32117025, 32820246, 33497533). This variant is present in population databases (rs769567624, gnomAD 0.0009%). Disruption of this splice site has been observed in individual(s) with CAD-related conditions (PMID: 25678555). ClinVar contains an entry for this variant (Variation ID: 203465). Studies have shown that disruption of this splice site alters CAD gene expression (PMID: 25678555). Algorithms developed to predict the effect of sequence changes on RNA splicing suggest that this variant may disrupt the consensus splice site. For these reasons, this variant has been classified as Pathogenic.

OMIM
Classification: Pathogenic for DEVELOPMENTAL AND EPILEPTIC ENCEPHALOPATHY 50. Last evaluated: 2015-06-01. Review status: no assertion criteria provided. Collection method: literature only. Allele origin: germline. Not counted in ClinVar's aggregate classification.

Literature cited by the submitters: PubMed 16199547 (cited by Labcorp Genetics (formerly Invitae), Labcorp); PubMed 28007989 (cited by Labcorp Genetics (formerly Invitae), Labcorp); PubMed 32117025 (cited by Labcorp Genetics (formerly Invitae), Labcorp); PubMed 32820246 (cited by Labcorp Genetics (formerly Invitae), Labcorp); PubMed 33497533 (cited by Labcorp Genetics (formerly Invitae), Labcorp); PubMed 25678555 (cited by Labcorp Genetics (formerly Invitae), Labcorp and OMIM).

NM_004341.5(CAD):c.1843-1G>A

Gene: CAD (carbamoyl-phosphate synthetase 2, aspartate transcarbamylase, and dihydroorotase; plus strand). Cytogenetic location: 2p23.3.
Variant type: single nucleotide variant.
Coding change: c.1843-1G>A on transcript NM_004341.5 (MANE Select); the canonical splice acceptor site of the intron before coding-DNA position 1843, G replaced by A.
Molecular consequence: splice acceptor variant. On other transcripts: intron variant (1).
Genome position (GRCh38, 1-based): chr2:27,226,130, G>A. VCF-style: chr2-27226130-G-A. GRCh37 (hg19) VCF-style: chr2-27448998-G-A.
Other names: IVS12AS, G-A, -1; c.1842+204G>A (NM_001306079.2).
Identifiers: ClinVar variation 203465 (VCV000203465.5), dbSNP rs769567624, ClinGen allele CA251247.